The following is an entry in ClinVar:

ClinVar aggregate classification (germline): Uncertain significance (1 of 4 stars; one submission).

Conditions:
Cardiomyopathy (CMYO). Also called: Cardiomyopathies. Identifiers: Orphanet 167848, MedGen C0878544, MONDO:0004994, HP:0001638. Inheritance: Various modes of inheritance.

Submission:

Color Diagnostics, LLC DBA Color Health
Classification: Uncertain significance for Cardiomyopathy. Last evaluated: 2025-08-25. Review status: criteria provided, single submitter. Criteria: ACMG Guidelines, 2015. Collection method: clinical testing. Allele origin: germline.
Comment: This missense variant replaces methionine with threonine at codon 365 of the PKP2 protein. Computational prediction suggests that this variant may not impact protein structure and function. To our knowledge, functional studies have not been reported for this variant. This variant has not been reported in individuals affected with PKP2-related disorders in the literature. This variant has not been identified in the general population by the Genome Aggregation Database (gnomAD). The available evidence is insufficient to determine the role of this variant in disease conclusively. Therefore, this variant is classified as a Variant of Uncertain Significance.

NM_001005242.3(PKP2):c.1094T>C (p.Met365Thr)

Gene: PKP2 (plakophilin 2; minus strand). Cytogenetic location: 12p11.21.
Variant type: single nucleotide variant.
Coding change: c.1094T>C on transcript NM_001005242.3 (MANE Select); coding-DNA position 1094, T replaced by C.
Protein change: p.Met365Thr; replaces methionine 365 with threonine.
Molecular consequence: missense variant.
Genome position (GRCh38, 1-based): chr12:32,869,003, A>G on the plus strand (T>C on the coding strand, the complement: PKP2 is on the minus strand). VCF-style: chr12-32869003-A-G. GRCh37 (hg19) VCF-style: chr12-33021937-A-G.
Other names: c.1094T>C, p.Met365Thr (NM_001407155.1, NM_001407156.1, NM_001407157.1 and 2 more transcripts); c.767T>C, p.Met256Thr (NM_001407158.1, NM_001407159.1, NM_001407160.1 and 1 more transcripts); short protein forms M256T, M365T.
Identifiers: ClinVar variation 4757931 (VCV004757931.1).